The following is an entry in ClinVar:

ClinVar aggregate classification (germline): Uncertain significance (1 of 4 stars; one submission).

Conditions:
Familial episodic pain syndrome with predominantly lower limb involvement. Also called: Episodic pain syndrome, familial, 3. Identifiers: Orphanet 391384, Orphanet 391392, MedGen C3809899, MONDO:0014247, OMIM 615552.
Hereditary sensory and autonomic neuropathy type 7. Also called: HSAN VII; Neuropathy, hereditary sensory and autonomic, type VII. Identifiers: Orphanet 391397, MedGen C3809882, MONDO:0014244, OMIM 615548.

gnomAD v4.1: 6 of 1,592,286 alleles (0.00038%); highest among the groups gnomAD compares: Non-Finnish European, 0.00043%; no homozygotes.

Submission:

Labcorp Genetics (formerly Invitae), Labcorp
Classification: Uncertain significance for Familial episodic pain syndrome with predominantly lower limb involvement; Hereditary sensory and autonomic neuropathy type 7. Last evaluated: 2025-11-21. Review status: criteria provided, single submitter. Criteria: Invitae Variant Classification Sherloc (09022015). Collection method: clinical testing. Allele origin: germline.
Comment: This sequence change falls in intron 6 of the SCN11A gene. It does not directly change the encoded amino acid sequence of the SCN11A protein. This variant is not present in population databases (gnomAD no frequency). This variant has not been reported in the literature in individuals affected with SCN11A-related conditions. Algorithms developed to predict the effect of sequence changes on RNA splicing suggest that this variant may disrupt the consensus splice site. In summary, the available evidence is currently insufficient to determine the role of this variant in disease. Therefore, it has been classified as a Variant of Uncertain Significance.

NM_001349253.2(SCN11A):c.893-16C>G

Gene: SCN11A (sodium voltage-gated channel alpha subunit 11; minus strand). Cytogenetic location: 3p22.2.
Variant type: single nucleotide variant.
Coding change: c.893-16C>G on transcript NM_001349253.2 (MANE Select); 16 bases into the intron before coding-DNA position 893, C replaced by G.
Molecular consequence: intron variant.
Genome position (GRCh38, 1-based): chr3:38,920,017, G>C on the plus strand (C>G on the coding strand, the complement: SCN11A is on the minus strand). VCF-style: chr3-38920017-G-C. GRCh37 (hg19) VCF-style: chr3-38961508-G-C.
Other names: c.893-16C>G (NM_014139.3).
Identifiers: ClinVar variation 4788090 (VCV004788090.1).